The following is an entry in ClinVar:

ClinVar aggregate classification (germline): Uncertain significance. Review status: criteria provided, multiple submitters, no conflicts (2 of 4 stars). 3 submissions from 3 submitters: Uncertain significance (3). Last evaluated 2025-05-07.

Conditions:
Tuberous sclerosis 2 (TSC2). Identifiers: Orphanet 805, MedGen C1860707, MONDO:0013199, OMIM 613254.
Hereditary cancer-predisposing syndrome. Also called: Hereditary Cancer Syndrome; Neoplastic Syndromes, Hereditary; Tumor predisposition; Hereditary neoplastic syndrome. Identifiers: Orphanet 140162, MedGen C0027672, MeSH D009386, MONDO:0015356.

gnomAD v4.1: 5 of 1,613,598 alleles (0.00031%); highest among the groups gnomAD compares: Non-Finnish European, 0.00042%; no homozygotes.

Submissions (3):

Ambry Genetics
Classification: Uncertain significance for Hereditary cancer-predisposing syndrome. Last evaluated: 2025-05-07. Review status: criteria provided, single submitter. Criteria: Ambry Variant Classification Scheme 2023. Collection method: clinical testing. Allele origin: germline.
Comment: The p.E748D variant (also known as c.2244G>T), located in coding exon 20 of the TSC2 gene, results from a G to T substitution at nucleotide position 2244. The glutamic acid at codon 748 is replaced by aspartic acid, an amino acid with highly similar properties. This amino acid position is conserved. In addition, the in silico prediction for this alteration is inconclusive. Since supporting evidence is limited at this time, the clinical significance of this alteration remains unclear.

Labcorp Genetics (formerly Invitae), Labcorp
Classification: Uncertain significance for Tuberous sclerosis 2. Last evaluated: 2025-02-06. Review status: criteria provided, single submitter. Criteria: Invitae Variant Classification Sherloc (09022015). Collection method: clinical testing. Allele origin: germline.
Comment: This sequence change replaces glutamic acid, which is acidic and polar, with aspartic acid, which is acidic and polar, at codon 748 of the TSC2 protein (p.Glu748Asp). This variant is not present in population databases (gnomAD no frequency). This variant has not been reported in the literature in individuals affected with TSC2-related conditions. ClinVar contains an entry for this variant (Variation ID: 1346059). Invitae Evidence Modeling of protein sequence and biophysical properties (such as structural, functional, and spatial information, amino acid conservation, physicochemical variation, residue mobility, and thermodynamic stability) indicates that this missense variant is not expected to disrupt TSC2 protein function with a negative predictive value of 95%. In summary, the available evidence is currently insufficient to determine the role of this variant in disease. Therefore, it has been classified as a Variant of Uncertain Significance.

GeneDx
Classification: Uncertain significance. Last evaluated: 2022-04-11. Review status: criteria provided, single submitter. Criteria: GeneDx Variant Classification Process June 2021. Collection method: clinical testing. Allele origin: germline. Affected: yes.
Comment: Not observed at significant frequency in large population cohorts (gnomAD); In silico analysis supports that this missense variant does not alter protein structure/function; Has not been previously published as pathogenic or benign to our knowledge

NM_000548.5(TSC2):c.2244G>T (p.Glu748Asp)

Gene: TSC2 (TSC complex subunit 2; plus strand). Cytogenetic location: 16p13.3.
Variant type: single nucleotide variant.
Coding change: c.2244G>T on transcript NM_000548.5 (MANE Select); coding-DNA position 2244, G replaced by T.
Protein change: p.Glu748Asp; replaces glutamic acid 748 with aspartic acid.
Molecular consequence: missense variant.
Genome position (GRCh38, 1-based): chr16:2,072,872, G>T. VCF-style: chr16-2072872-G-T. GRCh37 (hg19) VCF-style: chr16-2122873-G-T.
Other names: c.2244G>T, p.Glu748Asp (NM_001077183.3, NM_001114382.3, NM_001363528.2 and 3 more transcripts); c.2133G>T, p.Glu711Asp (NM_001318827.2); c.2097G>T, p.Glu699Asp (NM_001318829.2); c.1644G>T, p.Glu548Asp (NM_001318831.2); c.2277G>T, p.Glu759Asp (NM_001318832.2); short protein forms E548D, E711D, E748D, E759D, E699D.
Identifiers: ClinVar variation 1346059 (VCV001346059.12), dbSNP rs2151326551, ClinGen allele CA394276309.